The following is an entry in ClinVar:

NM_006757.4(TNNT3):c.631G>A (p.Glu211Lys)

Gene: TNNT3 (troponin T3, fast skeletal type; plus strand). Cytogenetic location: 11p15.5.
Variant type: single nucleotide variant.
Coding change: c.631G>A on transcript NM_006757.4 (MANE Select); coding-DNA position 631, G replaced by A.
Protein change: p.Glu211Lys; replaces glutamic acid 211 with lysine.
Molecular consequence: missense variant.
Genome position (GRCh38, 1-based): chr11:1,934,869, G>A. VCF-style: chr11-1934869-G-A. GRCh37 (hg19) VCF-style: chr11-1956099-G-A.
Other names: c.607G>A, p.Glu203Lys (NM_001042780.3, NM_001042782.3, NM_001297646.2 and 2 more transcripts); c.625G>A, p.Glu209Lys (NM_001042781.3, NM_001367842.1, NM_001367843.1); c.640G>A, p.Glu214Lys (NM_001363561.2, NM_001367847.1); c.664G>A, p.Glu222Lys (NM_001367846.1); c.628G>A, p.Glu210Lys (NM_001367848.1); c.619G>A, p.Glu207Lys (NM_001367849.1); c.574G>A, p.Glu192Lys (NM_001367850.1); c.427G>A, p.Glu143Lys (NM_001367851.1, NM_001367852.1); short protein forms E143K, E192K, E203K, E207K, E209K, E210K, E211K, E214K.
Identifiers: ClinVar variation 4681161 (VCV004681161.1).
Genomic context (GRCh38, chr11:1,934,869, plus strand): 5'-CACCACTTCCTCTGCCCCAGGGACAAGGCCAAGGAGCTCTGGGAGACCCTGCACCAGCTG[G>A]AGATTGACAAGTTCGAGTTTGGGGAGAAGCTGAAACGCCAGAAATATGACGTGAGTCCCG-3'
Protein context (NP_006748.1, residues 201-221): KELWETLHQL[Glu211Lys]IDKFEFGEKL

ClinVar aggregate classification (germline): Uncertain significance (1 of 4 stars; one submission).

gnomAD v4.1: 1 of 1,613,560 alleles (0.000062%); highest among the groups gnomAD compares: African/African-American, 0.0013%; no homozygotes.

Submission:

GeneDx
Classification: Uncertain significance. Last evaluated: 2025-07-03. Review status: criteria provided, single submitter. Criteria: GeneDx Variant Classification Process June 2021. Collection method: clinical testing. Allele origin: germline. Affected: yes.
Comment: Not observed at significant frequency in large population cohorts (gnomAD); In silico analysis supports that this missense variant has a deleterious effect on protein structure/function; Has not been previously published as pathogenic or benign to our knowledge